The following is an entry in ClinVar:

NM_138694.4(PKHD1):c.6333-5T>A

Gene: PKHD1 (PKHD1 ciliary IPT domain containing fibrocystin/polyductin; minus strand). Cytogenetic location: 6p12.2.
Variant type: single nucleotide variant.
Coding change: c.6333-5T>A on transcript NM_138694.4 (MANE Select); 5 bases into the intron before coding-DNA position 6333, T replaced by A.
Molecular consequence: intron variant.
Genome position (GRCh38, 1-based): chr6:51,911,961, A>T on the plus strand (T>A on the coding strand, the complement: PKHD1 is on the minus strand). VCF-style: chr6-51911961-A-T. GRCh37 (hg19) VCF-style: chr6-51776759-A-T.
Other names: c.6333-5T>A (NM_170724.3).
Identifiers: ClinVar variation 3053705 (VCV003053705.2), dbSNP rs760087550, ClinGen allele CA2740091356.
Genomic context (GRCh38, chr6:51,911,961, plus strand): 5'-CCTTTAAAATATGGTGCTCTCCAGCCACCCAATTCTCTGTAAAGTTGTGAGAATATCTGG[A>T]GAAAAAAAGAGGATGATAGAACTGAGGACATCACTCCAAATCTTACTAGGAATAATAAGC-3'

ClinVar aggregate classification (germline): Likely benign (0 of 4 stars; one submission).

Conditions:
PKHD1-related disorder. Also called: PKHD1-related condition.

Submission:

PreventionGenetics, part of Exact Sciences
Classification: Likely benign for PKHD1-related condition. Last evaluated: 2023-08-21. Review status: no assertion criteria provided. Collection method: clinical testing. Allele origin: germline.
Comment: This variant is classified as likely benign based on ACMG/AMP sequence variant interpretation guidelines (Richards et al. 2015 PMID: 25741868, with internal and published modifications).